The following is an entry in ClinVar:

ClinVar aggregate classification (germline): Benign/Likely benign. Review status: criteria provided, multiple submitters, no conflicts (2 of 4 stars). 8 submissions from 8 submitters: Benign (2); Likely benign (4). 2 of the submissions do not count toward it. Last evaluated 2026-05-29.

Conditions:
Early-infantile DEE. Also called: Early infantile epileptic encephalopathy; Early infantile epileptic encephalopathy with suppression bursts; Ohtahara syndrome. Identifiers: Orphanet 1934, MedGen C0393706, MONDO:0800491.
Inborn genetic diseases. Identifiers: MedGen C0950123, MeSH D030342.

Allele frequency attached by ClinVar (database versions not stated): 1000 Genomes Project 0.00020; gnomAD 0.00045 and 0.00044; 1000 Genomes Project 30x 0.00016; ESP Exome Variant Server 0.00031; TOPMed 0.00039.
gnomAD v4.1: 1,022 of 1,610,050 alleles (0.063%); highest among the groups gnomAD compares: South Asian, 0.08%; no homozygotes.

Submissions (8):

Women's Health and Genetics/Laboratory Corporation of America, LabCorp
Classification: Likely benign. Last evaluated: 2026-05-29. Review status: criteria provided, single submitter. Criteria: LabCorp Variant Classification Summary - May 2015. Collection method: clinical testing. Allele origin: germline.

CeGaT Center for Human Genetics Tuebingen
Classification: Likely benign. Last evaluated: 2026-02-01. Review status: criteria provided, single submitter. Criteria: CeGaT Center For Human Genetics Tuebingen Variant Classification Criteria Version 2. Collection method: clinical testing. Allele origin: germline. Affected: yes. Observed: 6 variant alleles.
Comment: KCNQ2: BP4, BP7

Labcorp Genetics (formerly Invitae), Labcorp
Classification: Benign for Early-infantile DEE. Last evaluated: 2026-01-12. Review status: criteria provided, single submitter. Criteria: Invitae Variant Classification Sherloc (09022015). Collection method: clinical testing. Allele origin: germline.

Blueprint Genetics
Classification: Likely benign. Last evaluated: 2024-09-24. Review status: criteria provided, single submitter. Criteria: ACMG Guidelines, 2015. Collection method: clinical testing. Allele origin: germline.

Ambry Genetics
Classification: Likely benign for Inborn genetic diseases. Last evaluated: 2017-05-05. Review status: criteria provided, single submitter. Criteria: Ambry Variant Classification Scheme 2023. Collection method: clinical testing. Allele origin: germline.

GeneDx
Classification: Benign. Last evaluated: 2014-04-10. Review status: criteria provided, single submitter. Criteria: GeneDx Variant Classification (06012015). Collection method: clinical testing. Allele origin: germline. Affected: yes.
Comment: This variant is considered likely benign or benign based on one or more of the following criteria: it is a conservative change, it occurs at a poorly conserved position in the protein, it is predicted to be benign by multiple in silico algorithms, and/or has population frequency not consistent with disease.

Diagnostic Laboratory, Department of Genetics, University Medical Center Groningen
Classification: Likely benign. Review status: no assertion criteria provided. Collection method: clinical testing. Allele origin: germline. Affected: yes. Study: VKGL Data-share Consensus. Not counted in ClinVar's aggregate classification.

Genome Diagnostics Laboratory, University Medical Center Utrecht
Classification: Benign. Review status: no assertion criteria provided. Collection method: clinical testing. Allele origin: germline. Affected: yes. Study: VKGL Data-share Consensus. Not counted in ClinVar's aggregate classification.

NM_172107.4(KCNQ2):c.2529C>T (p.Ser843=)

Gene: KCNQ2 (potassium voltage-gated channel subfamily Q member 2; minus strand). Cytogenetic location: 20q13.33.
Variant type: single nucleotide variant.
Coding change: c.2529C>T on transcript NM_172107.4 (MANE Select); coding-DNA position 2529, C replaced by T.
Protein change: p.Ser843=; no amino-acid change (serine 843 retained).
Molecular consequence: synonymous variant.
Genome position (GRCh38, 1-based): chr20:63,406,734, G>A on the plus strand (C>T on the coding strand, the complement: KCNQ2 is on the minus strand). VCF-style: chr20-63406734-G-A. GRCh37 (hg19) VCF-style: chr20-62038087-G-A.
Other names: p.S843S:TCC>TCT; c.2472C>T, p.Ser824= (NM_001439003.1); c.2442C>T, p.Ser814= (NM_001439004.1); c.2445C>T, p.Ser815= (NM_004518.6); c.2475C>T, p.Ser825= (NM_172106.3); c.2436C>T, p.Ser812= (NM_172108.5); c.2583C>T, p.Ser861= (NM_001382235.1).
Identifiers: ClinVar variation 138032 (VCV000138032.52), dbSNP rs140674819, ClinGen allele CA291815.